The following is an entry in ClinVar:

NM_001282531.3(ADNP):c.2941G>C (p.Val981Leu)

Gene: ADNP (activity dependent neuroprotector homeobox; minus strand). Cytogenetic location: 20q13.13.
Variant type: single nucleotide variant.
Coding change: c.2941G>C on transcript NM_001282531.3 (MANE Select); coding-DNA position 2941, G replaced by C.
Protein change: p.Val981Leu; replaces valine 981 with leucine.
Molecular consequence: missense variant.
Genome position (GRCh38, 1-based): chr20:50,891,773, C>G on the plus strand (G>C on the coding strand, the complement: ADNP is on the minus strand). VCF-style: chr20-50891773-C-G. GRCh37 (hg19) VCF-style: chr20-49508310-C-G.
Other names: c.2941G>C, p.Val981Leu (NM_001282532.2, NM_001347511.2, NM_015339.5 and 1 more transcripts); short protein forms V981L.
Identifiers: ClinVar variation 2008852 (VCV002008852.4), dbSNP rs772068264, ClinGen allele CA408967453.

ClinVar aggregate classification (germline): Uncertain significance (1 of 4 stars; one submission).

Submission:

Labcorp Genetics (formerly Invitae), Labcorp
Classification: Uncertain significance. Last evaluated: 2024-10-28. Review status: criteria provided, single submitter. Criteria: Invitae Variant Classification Sherloc (09022015). Collection method: clinical testing. Allele origin: germline.
Comment: This sequence change replaces valine, which is neutral and non-polar, with leucine, which is neutral and non-polar, at codon 981 of the ADNP protein (p.Val981Leu). This variant is not present in population databases (gnomAD no frequency). This variant has not been reported in the literature in individuals affected with ADNP-related conditions. ClinVar contains an entry for this variant (Variation ID: 2008852). An algorithm developed to predict the effect of missense changes on protein structure and function outputs the following: PolyPhen-2: "Benign". The leucine amino acid residue is found in multiple mammalian species, which suggests that this missense change does not adversely affect protein function. In summary, the available evidence is currently insufficient to determine the role of this variant in disease. Therefore, it has been classified as a Variant of Uncertain Significance.